The following is an entry in ClinVar:

ClinVar aggregate classification (germline): Uncertain significance. Review status: criteria provided, multiple submitters, no conflicts (2 of 4 stars). 4 submissions from 4 submitters: Uncertain significance (4). Last evaluated 2025-11-17.

Conditions:
Cardiovascular phenotype. Identifiers: MedGen CN230736.
Progressive familial heart block type IB (PFHB1B). Identifiers: Orphanet 871, MedGen C1970298, MONDO:0011474, OMIM 604559.
Erythrokeratodermia variabilis et progressiva 6. Identifiers: MedGen C5193144, MONDO:0032801, OMIM 618531.

Allele frequency attached by ClinVar (database versions not stated): ExAC 0.00002; gnomAD exomes 0.00002 and 0.00004; gnomAD 0.00018 and 0.00019; TOPMed 0.00038.
gnomAD v4.1: 84 of 1,447,302 alleles (0.0058%); highest among the groups gnomAD compares: Admixed American, 0.07%; no homozygotes.

Submissions (4):

Labcorp Genetics (formerly Invitae), Labcorp
Classification: Uncertain significance for Progressive familial heart block type IB. Last evaluated: 2025-11-17. Review status: criteria provided, single submitter. Criteria: Invitae Variant Classification Sherloc (09022015). Collection method: clinical testing. Allele origin: germline.
Comment: This sequence change replaces lysine, which is basic and polar, with threonine, which is neutral and polar, at codon 925 of the TRPM4 protein (p.Lys925Thr). This variant is present in population databases (rs752778561, gnomAD 0.004%). This variant has not been reported in the literature in individuals affected with TRPM4-related conditions. ClinVar contains an entry for this variant (Variation ID: 811697). An algorithm developed to predict the effect of missense changes on protein structure and function (PolyPhen-2) suggests that this variant is likely to be disruptive. In summary, the available evidence is currently insufficient to determine the role of this variant in disease. Therefore, it has been classified as a Variant of Uncertain Significance.

Ambry Genetics
Classification: Uncertain significance for Cardiovascular phenotype. Last evaluated: 2023-11-03. Review status: criteria provided, single submitter. Criteria: Ambry Variant Classification Scheme 2023. Collection method: clinical testing. Allele origin: germline.

Fulgent Genetics
Classification: Uncertain significance for Progressive familial heart block type IB; Erythrokeratodermia variabilis et progressiva 6. Last evaluated: 2021-09-21. Review status: criteria provided, single submitter. Criteria: ACMG Guidelines, 2015. Collection method: clinical testing. Allele origin: unknown.

ARUP Laboratories, Molecular Genetics and Genomics, ARUP Laboratories
Classification: Uncertain significance for Progressive familial heart block type IB. Last evaluated: 2018-07-18. Review status: criteria provided, single submitter. Criteria: ARUP Molecular Germline Variant Investigation Process. Collection method: clinical testing. Allele origin: germline.
Comment: The TRPM4 c.2774A>C; p.Lys925Thr variant (rs752778561), to our knowledge, is not reported in the medical literature or gene specific databases. This variant is found in non-Finnish European population with an overall allele frequency of 0.0036% (4/111358 alleles) in the Genome Aggregation Database. The lysine at codon 925 is highly conserved, and computational analyses (SIFT, PolyPhen-2) predict that this variant is deleterious. However, given the lack of clinical and functional data, the significance of the p.Lys925Thr variant is uncertain at this time.

NM_017636.4(TRPM4):c.2774A>C (p.Lys925Thr)

Gene: TRPM4 (transient receptor potential cation channel subfamily M member 4; plus strand). Cytogenetic location: 19q13.33.
Variant type: single nucleotide variant.
Coding change: c.2774A>C on transcript NM_017636.4 (MANE Select); coding-DNA position 2774, A replaced by C.
Protein change: p.Lys925Thr; replaces lysine 925 with threonine.
Molecular consequence: missense variant.
Genome position (GRCh38, 1-based): chr19:49,200,428, A>C. VCF-style: chr19-49200428-A-C. GRCh37 (hg19) VCF-style: chr19-49703685-A-C.
Other names: c.2339A>C, p.Lys780Thr (NM_001195227.2); c.2429A>C, p.Lys810Thr (NM_001321281.2); c.1166A>C, p.Lys389Thr (NM_001321282.2); c.2252A>C, p.Lys751Thr (NM_001321283.2); c.1712A>C, p.Lys571Thr (NM_001321285.2); short protein forms K389T, K571T, K751T, K780T, K810T, K925T.
Identifiers: ClinVar variation 811697 (VCV000811697.19), dbSNP rs752778561, ClinGen allele CA9569645.